The following is an entry in ClinVar:

NM_000135.4(FANCA):c.426+2T>A

Gene: FANCA (FA complementation group A; minus strand). Cytogenetic location: 16q24.3.
Variant type: single nucleotide variant.
Coding change: c.426+2T>A on transcript NM_000135.4 (MANE Select); the canonical splice donor site of the intron after coding-DNA position 426, T replaced by A.
Molecular consequence: splice donor variant.
Genome position (GRCh38, 1-based): chr16:89,810,927, A>T on the plus strand (T>A on the coding strand, the complement: FANCA is on the minus strand). VCF-style: chr16-89810927-A-T. GRCh37 (hg19) VCF-style: chr16-89877335-A-T.
Other names: c.426+2T>A (NM_001286167.3, NM_001351830.2, NM_001018112.3).
Identifiers: ClinVar variation 1478439 (VCV001478439.8), dbSNP rs1598190568, ClinGen allele CA397480846.

ClinVar aggregate classification (germline): Likely pathogenic (1 of 4 stars; one submission).

Conditions:
Fanconi anemia (FA). Also called: Fanconi's anemia. Identifiers: Orphanet 84, MedGen C0015625, MeSH D005199, MONDO:0019391.

Submission:

Labcorp Genetics (formerly Invitae), Labcorp
Classification: Likely pathogenic for Fanconi anemia. Last evaluated: 2021-03-22. Review status: criteria provided, single submitter. Criteria: Invitae Variant Classification Sherloc (09022015). Collection method: clinical testing. Allele origin: germline.
Comment: This variant is not present in population databases (ExAC no frequency). In summary, the currently available evidence indicates that the variant is pathogenic, but additional data are needed to prove that conclusively. Therefore, this variant has been classified as Likely Pathogenic. Algorithms developed to predict the effect of sequence changes on RNA splicing suggest that this variant may disrupt the consensus splice site, but this prediction has not been confirmed by published transcriptional studies. Disruption of this splice site has been observed in individual(s) with Fanconi anemia (PMID: 29098742). This sequence change affects a donor splice site in intron 4 of the FANCA gene. It is expected to disrupt RNA splicing. Variants that disrupt the donor or acceptor splice site typically lead to a loss of protein function (PMID: 16199547), and loss-of-function variants in FANCA are known to be pathogenic (PMID: 19367192).

Literature cited by the submitters: PubMed 29098742; PubMed 16199547; PubMed 19367192.